The following is an entry in ClinVar:

ClinVar aggregate classification (germline): Pathogenic. Review status: criteria provided, multiple submitters, no conflicts (2 of 4 stars). 3 submissions from 3 submitters: Pathogenic (3). Last evaluated 2025-08-17.

Conditions:
Polycystic kidney disease, adult type (PKD1). Also called: Polycystic Kidney, Autosomal Dominant; POLYCYSTIC KIDNEY DISEASE 1 WITH OR WITHOUT POLYCYSTIC LIVER DISEASE; Polycystic Kidney Disease 1, Autosomal Dominant; Polycystic kidney disease 1; Polycystic kidney disease 1, severe; POLYCYSTIC KIDNEY DISEASE, ADULT, TYPE I. Identifiers: MedGen C3149841, MONDO:0008263, OMIM 173900.
Autosomal dominant polycystic kidney disease. Identifiers: Orphanet 730, MedGen C0085413, MONDO:0004691.

Submissions (3):

Victorian Clinical Genetics Services, Murdoch Childrens Research Institute
Classification: Pathogenic for Polycystic kidney disease, adult type. Last evaluated: 2025-08-17. Review status: criteria provided, single submitter. Criteria: ACMG Guidelines, 2015. Collection method: clinical testing. Allele origin: germline. Affected: yes.
Comment: This variant is classified as Pathogenic. Evidence in support of pathogenic classification: Variant is predicted to cause nonsense-mediated decay (NMD) and loss of protein (premature termination codon is located at least 54 nucleotides upstream of the final exon-exon junction); Variant is absent from gnomAD (v2, v3 and v4); This variant has limited previous evidence of pathogenicity in unrelated individual(s). This variant has been classified as pathogenic by clinical laboratories in ClinVar; Other NMD-predicted variant(s) comparable to the one identified in this case have very strong previous evidence for pathogenicity (ClinVar). Additional information: This variant is heterozygous; This gene is associated with autosomal dominant disease. Polycystic kidney disease 1 (MIM#173900) is predominantly caused by monoallelic variants, with rare reports of biallelic variants causing disease (OMIM); No published evidence of segregation with disease has been identified for this variant; No published functional evidence has been identified for this variant; Loss of function is a known mechanism of disease in this gene and is associated with polycystic kidney disease 1 (MIM#173900); Inheritance information for this variant is not currently available in this individual.

Department of Pathology and Laboratory Medicine, Sinai Health System
Classification: Pathogenic for autosomal dominant polycystic kidney disease. Last evaluated: 2023-09-22. Review status: criteria provided, single submitter. Criteria: ACMG Guidelines, 2015. Collection method: clinical testing. Allele origin: germline. Affected: yes.

MVZ Martinsried, Medicover Genetics
Classification: Pathogenic for Polycystic kidney disease, adult type. Last evaluated: 2021-01-07. Review status: criteria provided, single submitter. Criteria: ACGS Guidelines, 2020. Collection method: clinical testing. Allele origin: unknown. Affected: yes.

NM_001009944.3(PKD1):c.3931dup (p.Ala1311fs)

Gene: PKD1 (polycystin 1, transient receptor potential channel interacting; minus strand). Cytogenetic location: 16p13.3.
Variant type: Duplication.
Coding change: c.3931dup on transcript NM_001009944.3 (MANE Select); coding-DNA position 3931, one base duplicated (G; older notation c.3931dupG).
Protein change: p.Ala1311fs; shifts the reading frame from alanine 1311.
Molecular consequence: frameshift variant.
Genome position (GRCh38, 1-based): chr16:2,111,236, C duplicated on the plus strand (G on the coding strand, the reverse complement: PKD1 is on the minus strand). VCF-style (leftmost placement, unchanged base first): chr16-2111235-G-GC. GRCh37 (hg19) VCF-style: chr16-2161236-G-GC.
Other names: c.3931dup, p.Ala1311fs (NM_000296.4); c.3931dupG (NM_001009944.2); c.3931dup (NM_001009944.2); short protein forms A1311fs.
Identifiers: ClinVar variation 1048642 (VCV001048642.4), dbSNP rs2151799399, ClinGen allele CA2499223384.